The following is an entry in ClinVar:

NM_001384140.1(PCDH15):c.3797A>C (p.Asp1266Ala)

Gene: PCDH15 (protocadherin related 15; minus strand). Cytogenetic location: 10q21.1.
Variant type: single nucleotide variant.
Coding change: c.3797A>C on transcript NM_001384140.1 (MANE Select); coding-DNA position 3797, A replaced by C.
Protein change: p.Asp1266Ala; replaces aspartic acid 1266 with alanine.
Molecular consequence: missense variant.
Genome position (GRCh38, 1-based): chr10:53,857,184, T>G on the plus strand (A>C on the coding strand, the complement: PCDH15 is on the minus strand). VCF-style: chr10-53857184-T-G. GRCh37 (hg19) VCF-style: chr10-55616944-T-G.
Other names: c.3812A>C, p.Asp1271Ala (NM_001142763.2, NM_001142771.2); c.3797A>C, p.Asp1266Ala (NM_001142764.2, NM_001142766.2, NM_001142770.3 and 4 more transcripts); c.3584A>C, p.Asp1195Ala (NM_001142765.2); c.3686A>C, p.Asp1229Ala (NM_001142767.2); c.3731A>C, p.Asp1244Ala (NM_001142768.2, NM_001142773.2, NM_001354404.2); c.3833A>C, p.Asp1278Ala (NM_001142769.4); c.3818A>C, p.Asp1273Ala (NM_001354411.2); short protein forms D1195A, D1229A, D1244A, D1266A, D1271A, D1273A, D1278A.
Identifiers: ClinVar variation 1060177 (VCV001060177.7), dbSNP rs2078805937, ClinGen allele CA376514266.
Genomic context (GRCh38, chr10:53,857,184, plus strand): 5'-AAAAATCATGGTCATATAAAAATAAATATATAAGGAGACAAAATCAATTACTCTGTAAGA[T>G]CTTCTATCTTTTTTTCCACTAGAGTAGGAGGCACATTGGAAACAATGACTTGCATATCCA-3'
Protein context (NP_001371069.1, residues 1256-1276): PPTLVEKKIE[Asp1266Ala]LTEILDRYVQ

ClinVar aggregate classification (germline): Uncertain significance. Review status: criteria provided, single submitter (1 of 4 stars). 2 submissions from 2 submitters: Uncertain significance (1). 1 of the submissions does not count toward it. Last evaluated 2022-02-03.

Conditions:
Usher syndrome type 1F (USH1F). Also called: USHER SYNDROME, TYPE IF. Identifiers: Orphanet 231169, Orphanet 886, MedGen C1865885, MONDO:0011186, OMIM 602083.

gnomAD v4.1: 4 of 1,594,616 alleles (0.00025%); highest among the groups gnomAD compares: Non-Finnish European, 0.00034%; no homozygotes.

Submissions (2):

Labcorp Genetics (formerly Invitae), Labcorp
Classification: Uncertain significance. Last evaluated: 2022-02-03. Review status: criteria provided, single submitter. Criteria: Invitae Variant Classification Sherloc (09022015). Collection method: clinical testing. Allele origin: germline.
Comment: This sequence change replaces aspartic acid, which is acidic and polar, with alanine, which is neutral and non-polar, at codon 1266 of the PCDH15 protein (p.Asp1266Ala). This variant is not present in population databases (gnomAD no frequency). This variant has not been reported in the literature in individuals affected with PCDH15-related conditions. ClinVar contains an entry for this variant (Variation ID: 1060177). Algorithms developed to predict the effect of missense changes on protein structure and function (SIFT, PolyPhen-2, Align-GVGD) all suggest that this variant is likely to be tolerated. In summary, the available evidence is currently insufficient to determine the role of this variant in disease. Therefore, it has been classified as a Variant of Uncertain Significance.

Natera, Inc.
Classification: Uncertain significance for Usher syndrome type 1F. Last evaluated: 2021-02-24. Review status: no assertion criteria provided. Collection method: clinical testing. Allele origin: germline. Not counted in ClinVar's aggregate classification.